The following is an entry in ClinVar:

ClinVar aggregate classification (germline): Uncertain significance (1 of 4 stars; one submission).

Conditions:
Cardiovascular phenotype. Identifiers: MedGen CN230736.

Submission:

Ambry Genetics
Classification: Uncertain significance for Cardiovascular phenotype. Last evaluated: 2025-08-03. Review status: criteria provided, single submitter. Criteria: Ambry Variant Classification Scheme 2023. Collection method: clinical testing. Allele origin: germline.
Comment: The p.P202R variant (also known as c.605C>G), located in coding exon 1 of the FOXE3 gene, results from a C to G substitution at nucleotide position 605. The proline at codon 202 is replaced by arginine, an amino acid with dissimilar properties. This amino acid position is conserved. In addition, this alteration is predicted to be tolerated by in silico analysis. Based on the available evidence, the clinical significance of this variant remains unclear.

NM_012186.3(FOXE3):c.605C>G (p.Pro202Arg)

Genes: FOXE3 (forkhead box E3; plus strand), LINC01389 (long intergenic non-protein coding RNA 1389; minus strand). Cytogenetic location: 1p33.
Variant type: single nucleotide variant.
Coding change: c.605C>G on transcript NM_012186.3 (MANE Select); coding-DNA position 605, C replaced by G.
Protein change: p.Pro202Arg; replaces proline 202 with arginine.
Molecular consequence: missense variant.
Genome position (GRCh38, 1-based): chr1:47,416,920, C>G. VCF-style: chr1-47416920-C-G. GRCh37 (hg19) VCF-style: chr1-47882592-C-G.
Other names: short protein forms P202R.
Identifiers: ClinVar variation 4259178 (VCV004259178.1).
Genomic context (GRCh38, chr1:47,416,920, plus strand): 5'-CGCCGCTCCCCTTCCCCTACGCGCCCTACGCGCCCGCGCCCGGCCCCGCGCTGCTGGTGC[C>G]GCCGCCTTCTGCCGGACCGGGCCCCTCGCCGCCCGCGCGTCTGTTCAGCGTCGACAGCCT-3'
Protein context (NP_036318.1, residues 192-212): APAPGPALLV[Pro202Arg]PPSAGPGPSP